The following is an entry in ClinVar:

ClinVar aggregate classification (germline): Uncertain significance (1 of 4 stars; one submission).

Submission:

GeneDx
Classification: Uncertain significance. Last evaluated: 2025-07-17. Review status: criteria provided, single submitter. Criteria: GeneDx Variant Classification Process June 2021. Collection method: clinical testing. Allele origin: germline. Affected: yes.
Comment: Not observed at significant frequency in large population cohorts (gnomAD); In silico analysis suggests that this missense variant does not alter protein structure/function; Variants in candidate genes are classified as variants of uncertain significance in accordance with ACMG guidelines (PMID: 25741868)

NM_001873.4(CPE):c.1303G>T (p.Val435Leu)

Gene: CPE (carboxypeptidase E; plus strand). Cytogenetic location: 4q32.3.
Variant type: single nucleotide variant.
Coding change: c.1303G>T on transcript NM_001873.4 (MANE Select); coding-DNA position 1303, G replaced by T.
Protein change: p.Val435Leu; replaces valine 435 with leucine.
Molecular consequence: missense variant.
Genome position (GRCh38, 1-based): chr4:165,495,648, G>T. VCF-style: chr4-165495648-G-T. GRCh37 (hg19) VCF-style: chr4-166416800-G-T.
Other names: short protein forms V435L.
Identifiers: ClinVar variation 4686535 (VCV004686535.1).
Genomic context (GRCh38, chr4:165,495,648, plus strand): 5'-ATACCTGGAAACTATAAACTTACAGCCTCAGCTCCAGGCTATCTGGCAATAACAAAGAAA[G>T]TGGCAGTTCCTTACAGCCCTGCTGCTGGGGTAAGTAATCATAATAATAGCCAAACGCTAT-3'
Protein context (NP_001864.1, residues 425-445): APGYLAITKK[Val435Leu]AVPYSPAAGV